The following is an entry in ClinVar:

ClinVar aggregate classification (germline): Uncertain significance (1 of 4 stars; one submission).

Allele frequency attached by ClinVar (database versions not stated): gnomAD exomes below 0.00001; TOPMed below 0.00001.
gnomAD v4.1: 1 of 1,611,672 alleles (0.000062%); highest among the groups gnomAD compares: Non-Finnish European, 0.000085%; no homozygotes.

Submission:

Labcorp Genetics (formerly Invitae), Labcorp
Classification: Uncertain significance. Last evaluated: 2022-05-08. Review status: criteria provided, single submitter. Criteria: Invitae Variant Classification Sherloc (09022015). Collection method: clinical testing. Allele origin: germline.
Comment: In summary, the available evidence is currently insufficient to determine the role of this variant in disease. Therefore, it has been classified as a Variant of Uncertain Significance. This sequence change replaces asparagine, which is neutral and polar, with serine, which is neutral and polar, at codon 673 of the WHRN protein (p.Asn673Ser). This variant is not present in population databases (gnomAD no frequency). This variant has not been reported in the literature in individuals affected with WHRN-related conditions. Algorithms developed to predict the effect of missense changes on protein structure and function output the following: SIFT: "Tolerated"; PolyPhen-2: "Benign"; Align-GVGD: "Class C0". The serine amino acid residue is found in multiple mammalian species, which suggests that this missense change does not adversely affect protein function.

NM_015404.4(WHRN):c.2018A>G (p.Asn673Ser)

Gene: WHRN (whirlin; minus strand). Cytogenetic location: 9q32.
Variant type: single nucleotide variant.
Coding change: c.2018A>G on transcript NM_015404.4 (MANE Select); coding-DNA position 2018, A replaced by G.
Protein change: p.Asn673Ser; replaces asparagine 673 with serine.
Molecular consequence: missense variant.
Genome position (GRCh38, 1-based): chr9:114,406,573, T>C on the plus strand (A>G on the coding strand, the complement: WHRN is on the minus strand). VCF-style: chr9-114406573-T-C. GRCh37 (hg19) VCF-style: chr9-117168853-T-C.
Other names: c.869A>G, p.Asn290Ser (NM_001083885.3); c.2018A>G, p.Asn673Ser (NM_001173425.2); c.965A>G, p.Asn322Ser (NM_001346890.1); short protein forms N290S, N673S, N322S.
Identifiers: ClinVar variation 1910491 (VCV001910491.5), dbSNP rs1835046457, ClinGen allele CA374620464.